The following is an entry in ClinVar:

ClinVar aggregate classification (germline): Likely pathogenic (1 of 4 stars; one submission).

Submission:

GeneDx
Classification: Likely pathogenic. Last evaluated: 2017-08-22. Review status: criteria provided, single submitter. Criteria: GeneDx Variant Classification (06012015). Collection method: clinical testing. Allele origin: germline. Affected: yes.
Comment: The H1097Q variant in the CHD8 gene has not been reported previously as a pathogenic variant, nor as a benign variant, to our knowledge. This variant is not observed in large population cohorts (Lek et al., 2016; 1000 Genomes Consortium et al., 2015; Exome Variant Server). The H1097Q variant is a semi-conservative amino acid substitution, which may impact secondary protein structure as these residues differ in some properties. This substitution occurs at a position that is conserved across species, and in silico analysis predicts this variant is probably damaging to the protein structure/function. Based on currently available evidence, we interpret H1097Q as a likely pathogenic variant.

NM_001170629.2(CHD8):c.3291C>A (p.His1097Gln)

Gene: CHD8 (chromodomain helicase DNA binding protein 8; minus strand). Cytogenetic location: 14q11.2.
Variant type: single nucleotide variant.
Coding change: c.3291C>A on transcript NM_001170629.2 (MANE Select); coding-DNA position 3291, C replaced by A.
Protein change: p.His1097Gln; replaces histidine 1097 with glutamine.
Molecular consequence: missense variant.
Genome position (GRCh38, 1-based): chr14:21,405,225, G>T on the plus strand (C>A on the coding strand, the complement: CHD8 is on the minus strand). VCF-style: chr14-21405225-G-T. GRCh37 (hg19) VCF-style: chr14-21873384-G-T.
Other names: c.2454C>A, p.His818Gln (NM_020920.4); short protein forms H1097Q, H818Q.
Identifiers: ClinVar variation 451499 (VCV000451499.2), dbSNP rs1555315221, ClinGen allele CA388901844.